The following is an entry in ClinVar:

NM_001367624.2(ZNF469):c.5158G>A (p.Val1720Ile)

Gene: ZNF469 (zinc finger protein 469; plus strand). Cytogenetic location: 16q24.2.
Variant type: single nucleotide variant.
Coding change: c.5158G>A on transcript NM_001367624.2 (MANE Select); coding-DNA position 5158, G replaced by A.
Protein change: p.Val1720Ile; replaces valine 1720 with isoleucine.
Molecular consequence: missense variant.
Genome position (GRCh38, 1-based): chr16:88,432,628, G>A. VCF-style: chr16-88432628-G-A. GRCh37 (hg19) VCF-style: chr16-88499036-G-A.
Other names: short protein forms V1720I.
Identifiers: ClinVar variation 429296 (VCV000429296.2), dbSNP rs1131691303, ClinGen allele CA397095592.

ClinVar aggregate classification (germline): Uncertain significance. Review status: criteria provided, multiple submitters, no conflicts (2 of 4 stars). 2 submissions from 2 submitters: Uncertain significance (2). Last evaluated 2025-10-25.

Allele frequency attached by ClinVar (database versions not stated): gnomAD exomes below 0.00001.
gnomAD v4.1: 6 of 1,550,412 alleles (0.00039%); highest among the groups gnomAD compares: Non-Finnish European, 0.00052%; no homozygotes.

Submissions (2):

Labcorp Genetics (formerly Invitae), Labcorp
Classification: Uncertain significance. Last evaluated: 2025-10-25. Review status: criteria provided, single submitter. Criteria: Invitae Variant Classification Sherloc (09022015). Collection method: clinical testing. Allele origin: germline.
Comment: This sequence change replaces valine, which is neutral and non-polar, with isoleucine, which is neutral and non-polar, at codon 1692 of the ZNF469 protein (p.Val1692Ile). This variant is not present in population databases (gnomAD no frequency). This variant has not been reported in the literature in individuals affected with ZNF469-related conditions. ClinVar contains an entry for this variant (Variation ID: 429296). An algorithm developed to predict the effect of missense changes on protein structure and function outputs the following: PolyPhen-2: "Benign". The isoleucine amino acid residue is found in multiple mammalian species, which suggests that this missense change does not adversely affect protein function. In summary, the available evidence is currently insufficient to determine the role of this variant in disease. Therefore, it has been classified as a Variant of Uncertain Significance.

GeneDx
Classification: Uncertain significance. Last evaluated: 2017-05-05. Review status: criteria provided, single submitter. Criteria: GeneDx Variant Classification (06012015). Collection method: clinical testing. Allele origin: germline. Affected: yes.
Comment: A variant of uncertain significance has been identified in the ZNF469 gene. The V1692I variant has not been published as pathogenic or been reported as benign to our knowledge. This variant is not observed in large population cohorts (Lek et al., 2016; 1000 Genomes Consortium et al., 2015; Exome Variant Server). However, the V1692I variant is a conservative amino acid substitution, which is not likely to impact secondary protein structure as these residues share similar properties. This substitution occurs at a position that is not conserved across species and where isoleucine is the wild type in at least one species. Finally, in silico analysis predicts this variant likely does not alter the protein structure/function.